The following is an entry in ClinVar:

NM_014946.4(SPAST):c.818C>A (p.Ser273Tyr)

Gene: SPAST (spastin; plus strand). Cytogenetic location: 2p22.3.
Variant type: single nucleotide variant.
Coding change: c.818C>A on transcript NM_014946.4 (MANE Select); coding-DNA position 818, C replaced by A.
Protein change: p.Ser273Tyr; replaces serine 273 with tyrosine.
Molecular consequence: missense variant.
Genome position (GRCh38, 1-based): chr2:32,114,773, C>A. VCF-style: chr2-32114773-C-A. GRCh37 (hg19) VCF-style: chr2-32339842-C-A.
Other names: c.815C>A, p.Ser272Tyr (NM_001363823.2); c.719C>A, p.Ser240Tyr (NM_001363875.2); c.722C>A, p.Ser241Tyr (NM_001377959.1, NM_199436.2); short protein forms S272Y, S240Y, S241Y, S273Y.
Identifiers: ClinVar variation 2829934 (VCV002829934.3), dbSNP rs767688964, ClinGen allele CA346498727.
Genomic context (GRCh38, chr2:32,114,773, plus strand): 5'-TGAAAACTGGATCTGCAGGCCTTTCAGGCCACCATAGAGCACCTAGTTACAGTGGTTTAT[C>A]CATGGTTTCTGGAGTGAAACAGGGATCTGGTCCTGCTCCTACCACTCATAAGGTATTCTG-3'
Protein context (NP_055761.2, residues 263-283): HHRAPSYSGL[Ser273Tyr]MVSGVKQGSG

ClinVar aggregate classification (germline): Uncertain significance (1 of 4 stars; one submission).

Conditions:
Hereditary spastic paraplegia 4. Also called: Spastic paraplegia 4, autosomal dominant; Spastic Paraplegia 4; Familial spastic paraplegia autosomal dominant 2. Identifiers: Orphanet 100985, MedGen C1866855, MONDO:0008438, OMIM 182601.

Submission:

Labcorp Genetics (formerly Invitae), Labcorp
Classification: Uncertain significance for Hereditary spastic paraplegia 4. Last evaluated: 2023-11-10. Review status: criteria provided, single submitter. Criteria: Invitae Variant Classification Sherloc (09022015). Collection method: clinical testing. Allele origin: germline.
Comment: This sequence change replaces serine, which is neutral and polar, with tyrosine, which is neutral and polar, at codon 273 of the SPAST protein (p.Ser273Tyr). This variant is not present in population databases (gnomAD no frequency). This variant has not been reported in the literature in individuals affected with SPAST-related conditions. Advanced modeling of protein sequence and biophysical properties (such as structural, functional, and spatial information, amino acid conservation, physicochemical variation, residue mobility, and thermodynamic stability) has been performed at Invitae for this missense variant, however the output from this modeling did not meet the statistical confidence thresholds required to predict the impact of this variant on SPAST protein function. In summary, the available evidence is currently insufficient to determine the role of this variant in disease. Therefore, it has been classified as a Variant of Uncertain Significance.